The following is an entry in ClinVar:

NM_014795.4(ZEB2):c.2219C>G (p.Thr740Arg)

Gene: ZEB2 (zinc finger E-box binding homeobox 2; minus strand). Cytogenetic location: 2q22.3.
Variant type: single nucleotide variant.
Coding change: c.2219C>G on transcript NM_014795.4 (MANE Select); coding-DNA position 2219, C replaced by G.
Protein change: p.Thr740Arg; replaces threonine 740 with arginine.
Molecular consequence: missense variant.
Genome position (GRCh38, 1-based): chr2:144,398,968, G>C on the plus strand (C>G on the coding strand, the complement: ZEB2 is on the minus strand). VCF-style: chr2-144398968-G-C. GRCh37 (hg19) VCF-style: chr2-145156535-G-C.
Other names: c.2147C>G, p.Thr716Arg (NM_001171653.2); short protein forms T740R, T716R.
Identifiers: ClinVar variation 2762638 (VCV002762638.3), dbSNP rs766844554, ClinGen allele CA348708767.

ClinVar aggregate classification (germline): Uncertain significance (1 of 4 stars; one submission).

Conditions:
Mowat-Wilson syndrome (MOWS). Also called: Classic Mowat-Wilson Syndrome. Identifiers: Orphanet 2152, MedGen C1856113, MONDO:0009341, OMIM 235730.

Submission:

Labcorp Genetics (formerly Invitae), Labcorp
Classification: Uncertain significance for Mowat-Wilson syndrome. Last evaluated: 2023-12-11. Review status: criteria provided, single submitter. Criteria: Invitae Variant Classification Sherloc (09022015). Collection method: clinical testing. Allele origin: germline.
Comment: This sequence change replaces threonine, which is neutral and polar, with arginine, which is basic and polar, at codon 740 of the ZEB2 protein (p.Thr740Arg). This variant is not present in population databases (gnomAD no frequency). This variant has not been reported in the literature in individuals affected with ZEB2-related conditions. Advanced modeling of protein sequence and biophysical properties (such as structural, functional, and spatial information, amino acid conservation, physicochemical variation, residue mobility, and thermodynamic stability) performed at Invitae indicates that this missense variant is not expected to disrupt ZEB2 protein function with a negative predictive value of 80%. In summary, the available evidence is currently insufficient to determine the role of this variant in disease. Therefore, it has been classified as a Variant of Uncertain Significance.